The following is an entry in ClinVar:

NM_004304.5(ALK):c.3376G>C (p.Ala1126Pro)

Gene: ALK (ALK receptor tyrosine kinase; minus strand). Cytogenetic location: 2p23.2.
Variant type: single nucleotide variant.
Coding change: c.3376G>C on transcript NM_004304.5 (MANE Select); coding-DNA position 3376, G replaced by C.
Protein change: p.Ala1126Pro; replaces alanine 1126 with proline.
Molecular consequence: missense variant.
Genome position (GRCh38, 1-based): chr2:29,222,591, C>G on the plus strand (G>C on the coding strand, the complement: ALK is on the minus strand). VCF-style: chr2-29222591-C-G. GRCh37 (hg19) VCF-style: chr2-29445457-C-G.
Other names: c.3376G>C (NM_004304.4); c.172G>C, p.Ala58Pro (NM_001353765.2); short protein forms A1126P, A58P.
Identifiers: ClinVar variation 1718087 (VCV001718087.6), dbSNP rs757580052, ClinGen allele CA346464211.

ClinVar aggregate classification (germline): Uncertain significance. Review status: criteria provided, multiple submitters, no conflicts (2 of 4 stars). 2 submissions from 2 submitters: Uncertain significance (2). Last evaluated 2024-08-12.

Conditions:
Neuroblastoma, susceptibility to, 3. Also called: ALK-Related Neuroblastic Tumor Susceptibility. Identifiers: Orphanet 635, MedGen C2751681, MONDO:0013083, OMIM 613014.
Hereditary cancer-predisposing syndrome. Also called: Hereditary neoplastic syndrome; Tumor predisposition; Neoplastic Syndromes, Hereditary; Hereditary Cancer Syndrome. Identifiers: Orphanet 140162, MedGen C0027672, MeSH D009386, MONDO:0015356.

Submissions (2):

Ambry Genetics
Classification: Uncertain significance for Hereditary cancer-predisposing syndrome. Last evaluated: 2024-08-12. Review status: criteria provided, single submitter. Criteria: Ambry Variant Classification Scheme 2023. Collection method: clinical testing. Allele origin: germline.
Comment: The p.A1126P variant (also known as c.3376G>C), located in coding exon 21 of the ALK gene, results from a G to C substitution at nucleotide position 3376. The alanine at codon 1126 is replaced by proline, an amino acid with highly similar properties. This amino acid position is conserved. In addition, this alteration is predicted to be deleterious by in silico analysis. Based on the available evidence, the clinical significance of this variant remains unclear.

Labcorp Genetics (formerly Invitae), Labcorp
Classification: Uncertain significance for Neuroblastoma, susceptibility to, 3. Last evaluated: 2022-08-27. Review status: criteria provided, single submitter. Criteria: Invitae Variant Classification Sherloc (09022015). Collection method: clinical testing. Allele origin: germline.
Comment: In summary, the available evidence is currently insufficient to determine the role of this variant in disease. Therefore, it has been classified as a Variant of Uncertain Significance. Algorithms developed to predict the effect of missense changes on protein structure and function (SIFT, PolyPhen-2, Align-GVGD) all suggest that this variant is likely to be disruptive. This variant has not been reported in the literature in individuals affected with ALK-related conditions. This variant is not present in population databases (gnomAD no frequency). This sequence change replaces alanine, which is neutral and non-polar, with proline, which is neutral and non-polar, at codon 1126 of the ALK protein (p.Ala1126Pro).